The following is an entry in ClinVar:

ClinVar aggregate classification (germline): Likely benign. Review status: criteria provided, multiple submitters, no conflicts (2 of 4 stars). 4 submissions from 4 submitters: Likely benign (3). 1 of the submissions does not count toward it. Last evaluated 2025-11-03.

Conditions:
Cystic fibrosis (CF). Also called: MUCOVISCIDOSIS. Identifiers: Orphanet 586, MedGen C0010674, MONDO:0009061, OMIM 219700. Disease mechanism: loss of function.
CFTR-related disorder (CFTR-RD). Also called: CFTR-related condition; CFTR-related disorders. Identifiers: MedGen C5924204, MONDO:7770004.

gnomAD v4.1: 3 of 1,613,776 alleles (0.00019%); highest among the groups gnomAD compares: East Asian, 0.0022%; no homozygotes.

Submissions (4):

Labcorp Genetics (formerly Invitae), Labcorp
Classification: Likely benign for Cystic fibrosis. Last evaluated: 2025-11-03. Review status: criteria provided, single submitter. Criteria: Invitae Variant Classification Sherloc (09022015). Collection method: clinical testing. Allele origin: germline.

PreventionGenetics, part of Exact Sciences
Classification: Likely benign for CFTR-related condition. Last evaluated: 2025-01-22. Review status: criteria provided, single submitter. Criteria: ACMG Guidelines, 2015. Collection method: clinical testing. Allele origin: germline.
Comment: This variant is classified as likely benign based on ACMG/AMP sequence variant interpretation guidelines (Richards et al. 2015 PMID: 25741868, with internal and published modifications).

Ambry Genetics
Classification: Likely benign for Cystic fibrosis. Last evaluated: 2022-12-26. Review status: criteria provided, single submitter. Criteria: Ambry Variant Classification Scheme 2023. Collection method: clinical testing. Allele origin: germline.

Natera, Inc.
Classification: Likely benign for CFTR-related disorders. Last evaluated: 2020-02-13. Review status: no assertion criteria provided. Collection method: clinical testing. Allele origin: germline. Not counted in ClinVar's aggregate classification.

NM_000492.4(CFTR):c.390C>G (p.Leu130=)

Gene: CFTR (CF transmembrane conductance regulator; plus strand). Cytogenetic location: 7q31.2.
Variant type: single nucleotide variant.
Coding change: c.390C>G on transcript NM_000492.4 (MANE Select); coding-DNA position 390, C replaced by G.
Protein change: p.Leu130=; no amino-acid change (leucine 130 retained).
Molecular consequence: synonymous variant.
Genome position (GRCh38, 1-based): chr7:117,531,015, C>G. VCF-style: chr7-117531015-C-G. GRCh37 (hg19) VCF-style: chr7-117171069-C-G.
Identifiers: ClinVar variation 717017 (VCV000717017.10), dbSNP rs1411911535, ClinGen allele CA457448670.